The following is an entry in ClinVar:

NM_182961.4(SYNE1):c.21011A>G (p.Gln7004Arg)

Gene: SYNE1 (spectrin repeat containing nuclear envelope protein 1; minus strand). Cytogenetic location: 6q25.2.
Variant type: single nucleotide variant.
Coding change: c.21011A>G on transcript NM_182961.4 (MANE Select); coding-DNA position 21011, A replaced by G.
Protein change: p.Gln7004Arg; replaces glutamine 7004 with arginine.
Molecular consequence: missense variant.
Genome position (GRCh38, 1-based): chr6:152,231,419, T>C on the plus strand (A>G on the coding strand, the complement: SYNE1 is on the minus strand). VCF-style: chr6-152231419-T-C. GRCh37 (hg19) VCF-style: chr6-152552554-T-C.
Other names: c.20798A>G, p.Gln6933Arg (NM_033071.5); short protein forms Q6933R, Q7004R.
Identifiers: ClinVar variation 2198564 (VCV002198564.4), dbSNP rs551020155, ClinGen allele CA4054278.

ClinVar aggregate classification (germline): Uncertain significance (1 of 4 stars; one submission).

Conditions:
Emery-Dreifuss muscular dystrophy 4, autosomal dominant (EDMD4). Also called: EMERY-DREIFUSS MUSCULAR DYSTROPHY 4 WITH VARIABLE FEATURES. Identifiers: Orphanet 261, MedGen C2751807, MONDO:0013071, OMIM 612998.
Autosomal recessive ataxia, Beauce type. Also called: Spinocerebellar ataxia, autosomal recessive 8; ATAXIA, RECESSIVE, OF BEAUCE; SYNE1-Related Autosomal Recessive Cerebellar Ataxia; SYNE1 Deficiency. Identifiers: Orphanet 88644, MedGen C1853116, MONDO:0012549, OMIM 610743.

Allele frequency attached by ClinVar (database versions not stated): ExAC 0.00001; gnomAD 0.00001; 1000 Genomes Project 30x 0.00016; 1000 Genomes Project 0.00020.
gnomAD v4.1: 1 of 1,614,170 alleles (0.000062%); highest among the groups gnomAD compares: East Asian, 0.0022%; no homozygotes.

Submission:

Labcorp Genetics (formerly Invitae), Labcorp
Classification: Uncertain significance for Emery-Dreifuss muscular dystrophy 4, autosomal dominant; Autosomal recessive ataxia, Beauce type. Last evaluated: 2023-01-18. Review status: criteria provided, single submitter. Criteria: Invitae Variant Classification Sherloc (09022015). Collection method: clinical testing. Allele origin: germline.
Comment: In summary, the available evidence is currently insufficient to determine the role of this variant in disease. Therefore, it has been classified as a Variant of Uncertain Significance. Algorithms developed to predict the effect of missense changes on protein structure and function (SIFT, PolyPhen-2, Align-GVGD) all suggest that this variant is likely to be disruptive. This variant has not been reported in the literature in individuals affected with SYNE1-related conditions. This variant is present in population databases (rs551020155, gnomAD 0.006%). This sequence change replaces glutamine, which is neutral and polar, with arginine, which is basic and polar, at codon 6933 of the SYNE1 protein (p.Gln6933Arg).